The following is an entry in ClinVar:

ClinVar aggregate classification (germline): Uncertain significance (1 of 4 stars; one submission).

Allele frequency attached by ClinVar (database versions not stated): ExAC 0.00001; gnomAD 0.00001; gnomAD exomes 0.00001 and 0.00002; TOPMed 0.00001.
gnomAD v4.1: 29 of 1,608,932 alleles (0.0018%); highest among the groups gnomAD compares: Non-Finnish European, 0.0023%; no homozygotes.

Submission:

Labcorp Genetics (formerly Invitae), Labcorp
Classification: Uncertain significance. Last evaluated: 2022-08-23. Review status: criteria provided, single submitter. Criteria: Invitae Variant Classification Sherloc (09022015). Collection method: clinical testing. Allele origin: germline.
Comment: This sequence change replaces proline, which is neutral and non-polar, with serine, which is neutral and polar, at codon 1764 of the KIAA1549 protein (p.Pro1764Ser). This variant is present in population databases (rs764663624, gnomAD 0.002%). This variant has not been reported in the literature in individuals affected with KIAA1549-related conditions. ClinVar contains an entry for this variant (Variation ID: 1035789). Algorithms developed to predict the effect of missense changes on protein structure and function output the following: SIFT: "Tolerated"; PolyPhen-2: "Benign"; Align-GVGD: "Class C0". The serine amino acid residue is found in multiple mammalian species, which suggests that this missense change does not adversely affect protein function. In summary, the available evidence is currently insufficient to determine the role of this variant in disease. Therefore, it has been classified as a Variant of Uncertain Significance.

NM_001164665.2(KIAA1549):c.5290C>T (p.Pro1764Ser)

Gene: KIAA1549 (KIAA1549; minus strand). Cytogenetic location: 7q34.
Variant type: single nucleotide variant.
Coding change: c.5290C>T on transcript NM_001164665.2 (MANE Select); coding-DNA position 5290, C replaced by T.
Protein change: p.Pro1764Ser; replaces proline 1764 with serine.
Molecular consequence: missense variant.
Genome position (GRCh38, 1-based): chr7:138,852,227, G>A on the plus strand (C>T on the coding strand, the complement: KIAA1549 is on the minus strand). VCF-style: chr7-138852227-G-A. GRCh37 (hg19) VCF-style: chr7-138536973-G-A.
Other names: c.5290C>T, p.Pro1764Ser (NM_020910.3); short protein forms P1764S.
Identifiers: ClinVar variation 1035789 (VCV001035789.8), dbSNP rs764663624, ClinGen allele CA4505610.